The following is an entry in ClinVar:

ClinVar aggregate classification (germline): Conflicting classifications of pathogenicity. Review status: criteria provided, conflicting classifications (1 of 4 stars). 2 submissions from 2 submitters: Uncertain significance (1); Likely benign (1). Last evaluated 2024-06-17.

Conditions:
Inborn genetic diseases. Identifiers: MedGen C0950123, MeSH D030342.

Allele frequency attached by ClinVar (database versions not stated): ExAC 0.00001; gnomAD exomes 0.00001 and 0.00002; TOPMed 0.00001; gnomAD 0.00002.

Submissions (2):

Ambry Genetics
Classification: Likely benign for Inborn genetic diseases. Last evaluated: 2024-06-17. Review status: criteria provided, single submitter. Criteria: Ambry Variant Classification Scheme 2023. Collection method: clinical testing. Allele origin: germline.

Labcorp Genetics (formerly Invitae), Labcorp
Classification: Uncertain significance. Last evaluated: 2021-08-30. Review status: criteria provided, single submitter. Criteria: Invitae Variant Classification Sherloc (09022015). Collection method: clinical testing. Allele origin: germline.
Comment: This sequence change replaces threonine with proline at codon 424 of the TRAF3IP1 protein (p.Thr424Pro). The threonine residue is weakly conserved and there is a small physicochemical difference between threonine and proline. This variant is present in population databases (rs763239330, ExAC 0.001%). This variant has not been reported in the literature in individuals affected with TRAF3IP1-related conditions. Algorithms developed to predict the effect of missense changes on protein structure and function output the following: SIFT: "Tolerated"; PolyPhen-2: "Benign"; Align-GVGD: "Class C0". The proline amino acid residue is found in multiple mammalian species, which suggests that this missense change does not adversely affect protein function. In summary, the available evidence is currently insufficient to determine the role of this variant in disease. Therefore, it has been classified as a Variant of Uncertain Significance.

NM_015650.4(TRAF3IP1):c.1270A>C (p.Thr424Pro)

Gene: TRAF3IP1 (TRAF3 interacting protein 1; plus strand). Cytogenetic location: 2q37.3.
Variant type: single nucleotide variant.
Coding change: c.1270A>C on transcript NM_015650.4 (MANE Select); coding-DNA position 1270, A replaced by C.
Protein change: p.Thr424Pro; replaces threonine 424 with proline.
Molecular consequence: missense variant.
Genome position (GRCh38, 1-based): chr2:238,347,463, A>C. VCF-style: chr2-238347463-A-C. GRCh37 (hg19) VCF-style: chr2-239256104-A-C.
Other names: c.1072A>C, p.Thr358Pro (NM_001139490.1); c.1270A>C (NM_015650.3); short protein forms T358P, T424P.
Identifiers: ClinVar variation 1008036 (VCV001008036.6), dbSNP rs763239330, ClinGen allele CA2198374.